The following is an entry in ClinVar:

NM_001267550.2(TTN):c.104711G>T (p.Arg34904Ile)

Genes: TTN-AS1 (TTN antisense RNA 1; plus strand), TTN (titin; minus strand). Cytogenetic location: 2q31.2.
Variant type: single nucleotide variant.
Coding change: c.104711G>T on transcript NM_001267550.2 (MANE Select); coding-DNA position 104711, G replaced by T.
Protein change: p.Arg34904Ile; replaces arginine 34904 with isoleucine.
Molecular consequence: missense variant.
Genome position (GRCh38, 1-based): chr2:178,531,904, C>A on the plus strand (G>T on the coding strand, the complement: TTN is on the minus strand). VCF-style: chr2-178531904-C-A. GRCh37 (hg19) VCF-style: chr2-179396631-C-A.
Other names: c.99788G>T, p.Arg33263Ile (NM_001256850.1); c.77516G>T, p.Arg25839Ile (NM_003319.4); c.97007G>T, p.Arg32336Ile (NM_133378.4); c.77891G>T, p.Arg25964Ile (NM_133432.3); c.78092G>T, p.Arg26031Ile (NM_133437.4); short protein forms R34904I, R25839I, R25964I, R32336I, R33263I, R26031I.
Identifiers: ClinVar variation 466733 (VCV000466733.9), dbSNP rs780506196, ClinGen allele CA349411094.

ClinVar aggregate classification (germline): Uncertain significance (1 of 4 stars; one submission).

Conditions:
Autosomal recessive limb-girdle muscular dystrophy type 2J (LGMDR10). Also called: Limb-girdle muscular dystrophy, type 2J; MUSCULAR DYSTROPHY, LIMB-GIRDLE, AUTOSOMAL RECESSIVE 10. Identifiers: Orphanet 140922, MedGen C1837342, MONDO:0012127, OMIM 608807.
Dilated cardiomyopathy 1G (CMD1G). Identifiers: Orphanet 154, MedGen C1858763, MONDO:0011400, OMIM 604145.

Submission:

Labcorp Genetics (formerly Invitae), Labcorp
Classification: Uncertain significance for Dilated cardiomyopathy 1G; Autosomal recessive limb-girdle muscular dystrophy type 2J. Last evaluated: 2025-07-02. Review status: criteria provided, single submitter. Criteria: Invitae Variant Classification Sherloc (09022015). Collection method: clinical testing. Allele origin: germline.
Comment: This sequence change replaces arginine, which is basic and polar, with isoleucine, which is neutral and non-polar, at codon 34904 of the TTN protein (p.Arg34904Ile). This variant is not present in population databases (gnomAD no frequency). This variant has not been reported in the literature in individuals affected with TTN-related conditions. ClinVar contains an entry for this variant (Variation ID: 466733). Experimental studies and prediction algorithms are not available or were not evaluated, and the functional significance of this variant is currently unknown. This variant is located in the M band of TTN (PMID: 25589632). Non-truncating variants in this region may be relevant for neuromuscular disorders, but have not been definitively shown to cause cardiomyopathy (PMID: 23975875). In summary, the available evidence is currently insufficient to determine the role of this variant in disease. Therefore, it has been classified as a Variant of Uncertain Significance.

Literature cited by the submitters: PubMed 25589632; PubMed 23975875.